The following is an entry in ClinVar:

NM_016616.5(NME8):c.1124T>C (p.Ile375Thr)

Gene: NME8 (NME/NM23 family member 8; plus strand). Cytogenetic location: 7p14.1.
Variant type: single nucleotide variant.
Coding change: c.1124T>C on transcript NM_016616.5 (MANE Select); coding-DNA position 1124, T replaced by C.
Protein change: p.Ile375Thr; replaces isoleucine 375 with threonine.
Molecular consequence: missense variant.
Genome position (GRCh38, 1-based): chr7:37,884,432, T>C. VCF-style: chr7-37884432-T-C. GRCh37 (hg19) VCF-style: chr7-37924034-T-C.
Other names: c.1124T>C (NM_016616.4); short protein forms I375T.
Identifiers: ClinVar variation 2077303 (VCV002077303.5), dbSNP rs1321028613, ClinGen allele CA367215842.

ClinVar aggregate classification (germline): Uncertain significance. Review status: criteria provided, multiple submitters, no conflicts (2 of 4 stars). 2 submissions from 2 submitters: Uncertain significance (2). Last evaluated 2025-07-15.

Conditions:
Primary ciliary dyskinesia. Also called: Ciliary dyskinesia. Identifiers: Orphanet 244, MedGen C0008780, MONDO:0016575, HP:0012265.
Primary ciliary dyskinesia 6. Also called: Primary Ciliary Dyskinesia 6: TXNDC3-Related Primary Ciliary Dyskinesia. Identifiers: Orphanet 244, MedGen C1970506, MONDO:0012571, OMIM 610852.

Allele frequency attached by ClinVar (database versions not stated): TOPMed 0.00001.
gnomAD v4.1: 8 of 1,611,682 alleles (0.0005%); highest among the groups gnomAD compares: Admixed American, 0.005%; no homozygotes.

Submissions (2):

Ambry Genetics
Classification: Uncertain significance for Primary ciliary dyskinesia. Last evaluated: 2025-07-15. Review status: criteria provided, single submitter. Criteria: Ambry Variant Classification Scheme 2023. Collection method: clinical testing. Allele origin: germline.

Labcorp Genetics (formerly Invitae), Labcorp
Classification: Uncertain significance for Primary ciliary dyskinesia 6. Last evaluated: 2025-06-12. Review status: criteria provided, single submitter. Criteria: Invitae Variant Classification Sherloc (09022015). Collection method: clinical testing. Allele origin: germline.
Comment: This sequence change replaces isoleucine, which is neutral and non-polar, with threonine, which is neutral and polar, at codon 375 of the NME8 protein (p.Ile375Thr). This variant is present in population databases (no rsID available, gnomAD 0.003%). This variant has not been reported in the literature in individuals affected with NME8-related conditions. ClinVar contains an entry for this variant (Variation ID: 2077303). Invitae Evidence Modeling of protein sequence and biophysical properties (such as structural, functional, and spatial information, amino acid conservation, physicochemical variation, residue mobility, and thermodynamic stability) indicates that this missense variant is not expected to disrupt NME8 protein function with a negative predictive value of 80%. In summary, the available evidence is currently insufficient to determine the role of this variant in disease. Therefore, it has been classified as a Variant of Uncertain Significance.